The following is an entry in ClinVar:

ClinVar aggregate classification (germline): Uncertain significance. Review status: criteria provided, multiple submitters, no conflicts (2 of 4 stars). 4 submissions from 4 submitters: Uncertain significance (3). 1 of the submissions does not count toward it. Last evaluated 2024-12-10.

Conditions:
Renal carnitine transport defect (CDSP). Also called: Carnitine transporter deficiency; Carnitine Deficiency, Systemic; CARNITINE DEFICIENCY, SYSTEMIC, DUE TO DEFECT IN RENAL REABSORPTION OF CARNITINE; CARNITINE TRANSPORTER, PLASMA-MEMBRANE, DEFICIENCY OF; CARNITINE UPTAKE DEFECT; Primary carnitine deficiency. Identifiers: Orphanet 158, MedGen C0342788, MONDO:0008919, OMIM 212140.

Submissions (4):

GeneDx
Classification: Uncertain significance. Last evaluated: 2024-12-10. Review status: criteria provided, single submitter. Criteria: GeneDx Variant Classification Process June 2021. Collection method: clinical testing. Allele origin: germline. Affected: yes.
Comment: In silico analysis indicates that this missense variant does not alter protein structure/function; Has not been previously published as pathogenic or benign to our knowledge; In silico analysis is inconclusive as to whether the variant alters gene splicing. In the absence of RNA/functional studies, the actual effect of this sequence change is unknown

Labcorp Genetics (formerly Invitae), Labcorp
Classification: Uncertain significance for Renal carnitine transport defect. Last evaluated: 2022-08-18. Review status: criteria provided, single submitter. Criteria: Invitae Variant Classification Sherloc (09022015). Collection method: clinical testing. Allele origin: germline.
Comment: This sequence change replaces valine, which is neutral and non-polar, with leucine, which is neutral and non-polar, at codon 151 of the SLC22A5 protein (p.Val151Leu). This variant is present in population databases (rs386134193, gnomAD 0.03%). This variant has not been reported in the literature in individuals affected with SLC22A5-related conditions. ClinVar contains an entry for this variant (Variation ID: 990993). Advanced modeling of protein sequence and biophysical properties (such as structural, functional, and spatial information, amino acid conservation, physicochemical variation, residue mobility, and thermodynamic stability) performed at Invitae indicates that this missense variant is not expected to disrupt SLC22A5 protein function. Algorithms developed to predict the effect of sequence changes on RNA splicing suggest that this variant may disrupt the consensus splice site. In summary, the available evidence is currently insufficient to determine the role of this variant in disease. Therefore, it has been classified as a Variant of Uncertain Significance.

Fulgent Genetics
Classification: Uncertain significance for Renal carnitine transport defect. Last evaluated: 2021-08-03. Review status: criteria provided, single submitter. Criteria: ACMG Guidelines, 2015. Collection method: clinical testing. Allele origin: unknown.

Natera, Inc.
Classification: Uncertain significance for Primary systemic carnitine deficiency. Last evaluated: 2020-08-05. Review status: no assertion criteria provided. Collection method: clinical testing. Allele origin: germline. Not counted in ClinVar's aggregate classification.

NM_003060.4(SLC22A5):c.451G>T (p.Val151Leu)

Gene: SLC22A5 (solute carrier family 22 member 5; plus strand). Cytogenetic location: 5q31.1.
Variant type: single nucleotide variant.
Coding change: c.451G>T on transcript NM_003060.4 (MANE Select); coding-DNA position 451, G replaced by T.
Protein change: p.Val151Leu; replaces valine 151 with leucine.
Molecular consequence: missense variant.
Genome position (GRCh38, 1-based): chr5:132,378,435, G>T. VCF-style: chr5-132378435-G-T. GRCh37 (hg19) VCF-style: chr5-131714127-G-T.
Other names: c.523G>T, p.Val175Leu (NM_001308122.2); c.451G>T (NM_003060.3); short protein forms V151L, V175L.
Identifiers: ClinVar variation 990993 (VCV000990993.6), dbSNP rs386134193, ClinGen allele CA3403891.